The following is an entry in ClinVar:

ClinVar aggregate classification (germline): Likely pathogenic. Review status: criteria provided, multiple submitters, no conflicts (2 of 4 stars). 2 submissions from 2 submitters: Likely pathogenic (2). Last evaluated 2026-03-09.

Conditions:
TNXB-related disorder. Also called: TNXB-related condition.
Ehlers-Danlos syndrome due to tenascin-X deficiency (EDSCLL1). Also called: EHLERS-DANLOS SYNDROME, CLASSIC-LIKE; Ehlers-Danlos syndrome, classic-like, 1; TNXB-Related Classical-Like Ehlers-Danlos Syndrome; EDS DUE TO TNX DEFICIENCY; TNX DEFICIENCY. Identifiers: Orphanet 230839, MedGen C1848029, MONDO:0011670, OMIM 606408.
Vesicoureteral reflux 8 (VUR8). Identifiers: Orphanet 289365, MedGen C4014831, MONDO:0014422, OMIM 615963.

Submissions (2):

PreventionGenetics, part of Exact Sciences
Classification: Likely pathogenic for TNXB-related condition. Last evaluated: 2026-03-09. Review status: criteria provided, single submitter. Criteria: ACMG Guidelines, 2015. Collection method: clinical testing. Allele origin: germline.
Comment: The TNXB c.12234_12237delAGAC variant is predicted to result in a frameshift and premature protein termination (p.Asp4079Serfs*29). This variant was reported in the compound heterozygous state with a pathogenic TNXA/TNXB fusion gene (allele) in an individual with autosomal recessive classical-like Ehlers–Danlos syndrome (clEDS) (Santoreneos et al. 2022. PubMed ID: 35128805). This variant has not been reported in a large population database (gnomAD), indicating this variant is rare. This variant falls within a highly paralogous region. Allele frequency data should be interpreted with caution. Frameshift variants in TNXB are expected to be pathogenic. This variant is interpreted as likely pathogenic for autosomal recessive clEDS.

Fulgent Genetics
Classification: Likely pathogenic for Ehlers-Danlos syndrome due to tenascin-X deficiency; Vesicoureteral reflux 8. Last evaluated: 2024-05-30. Review status: criteria provided, single submitter. Criteria: ACMG Guidelines, 2015. Collection method: clinical testing. Allele origin: germline.

NM_001365276.2(TNXB):c.12240_12243del (p.Asp4081fs)

Genes: TNXB (tenascin XB; minus strand), LOC106780803 (tenascin XB recombination region; plus strand). Cytogenetic location: 6p21.33.
Variant type: Microsatellite.
Coding change: c.12240_12243del on transcript NM_001365276.2 (MANE Select); coding-DNA positions 12240 to 12243, 4 bases deleted (AGAC; older notation c.12240_12243delAGAC).
Protein change: p.Asp4081fs; shifts the reading frame from aspartic acid 4081.
Molecular consequence: frameshift variant.
Genome position (GRCh38, 1-based): chr6:32,042,330-32,042,333, GTCT deleted on the plus strand (AGAC on the coding strand, the reverse complement: TNXB is on the minus strand); deleting any 4 consecutive bases within chr6:32,042,330-32,042,340 gives the same sequence; the c. name uses the placement nearest the transcript's 3' end. VCF-style (leftmost placement, unchanged base first): chr6-32042329-AGTCT-A. GRCh37 (hg19) VCF-style: chr6-32010106-AGTCT-A.
Other names: c.12234_12237delAGAC (NM_019105.6); c.12981_12984del, p.Asp4328fs (NM_001428335.1); c.12234_12237del, p.Asp4079fs (NM_019105.8); c.1527_1530del, p.Asp510fs (NM_032470.4); short protein forms D4328fs, D510fs, D4079fs, D4081fs.
Identifiers: ClinVar variation 3593444 (VCV003593444.2).